The following is an entry in ClinVar:

ClinVar aggregate classification (germline): Uncertain significance (1 of 4 stars; one submission).

Conditions:
Hereditary cancer-predisposing syndrome. Also called: Neoplastic Syndromes, Hereditary; Tumor predisposition; Hereditary neoplastic syndrome; Hereditary Cancer Syndrome. Identifiers: Orphanet 140162, MedGen C0027672, MeSH D009386, MONDO:0015356.

Submission:

Ambry Genetics
Classification: Uncertain significance for Hereditary cancer-predisposing syndrome. Last evaluated: 2026-07-06. Review status: criteria provided, single submitter. Criteria: Ambry Variant Classification Scheme 2023. Collection method: clinical testing. Allele origin: germline.
Comment: The p.P290L variant (also known as c.869C>T), located in coding exon 3 of the PHOX2B gene, results from a C to T substitution at nucleotide position 869. The proline at codon 290 is replaced by leucine, an amino acid with similar properties. This amino acid position is conserved. In addition, the in silico prediction for this alteration is inconclusive. Based on the available evidence, the clinical significance of this variant remains unclear.

NM_003924.4(PHOX2B):c.869C>T (p.Pro290Leu)

Gene: PHOX2B (paired like homeobox 2B; minus strand). Cytogenetic location: 4p13.
Variant type: single nucleotide variant.
Coding change: c.869C>T on transcript NM_003924.4 (MANE Select); coding-DNA position 869, C replaced by T.
Protein change: p.Pro290Leu; replaces proline 290 with leucine.
Molecular consequence: missense variant.
Genome position (GRCh38, 1-based): chr4:41,745,883, G>A on the plus strand (C>T on the coding strand, the complement: PHOX2B is on the minus strand). VCF-style: chr4-41745883-G-A. GRCh37 (hg19) VCF-style: chr4-41747900-G-A.
Other names: short protein forms P290L.
Identifiers: ClinVar variation 5026512 (VCV005026512.1).